The following is an entry in ClinVar:

ClinVar aggregate classification (germline): Uncertain significance (1 of 4 stars; one submission).

Conditions:
Inborn genetic diseases. Identifiers: MedGen C0950123, MeSH D030342.

Submission:

Ambry Genetics
Classification: Uncertain significance for Inborn genetic diseases. Last evaluated: 2020-08-12. Review status: criteria provided, single submitter. Criteria: Ambry Variant Classification Scheme 2023. Collection method: clinical testing. Allele origin: germline.
Comment: The alteration results in an amino acid change:_x000D_ _x000D_ The c.631C>G (p.Q211E) alteration is located in exon 8 (coding exon 6) of the STAG2 gene. This alteration results from a C to G substitution at nucleotide position 631, causing the glutamine (Q) at amino acid position 211 to be replaced by a glutamic acid (E). The alteration is not observed in population databases:_x000D_ _x000D_ Based on data from the Genome Aggregation Database (gnomAD), the STAG2 c.631C>G alteration was not observed, with coverage at this position. The altered amino acid is conserved throughout evolution:_x000D_ _x000D_ The p.Q211 amino acid is conserved in available vertebrate species. The alteration is predicted tolerated by in silico modeling:_x000D_ _x000D_ The p.Q211E alteration is predicted to be tolerated by in silico analysis. Based on insufficient or conflicting evidence, the clinical significance of this alteration remains unclear.

NM_001042750.2(STAG2):c.631C>G (p.Gln211Glu)

Gene: STAG2 (STAG2 cohesin complex component; plus strand). Cytogenetic location: Xq25.
Variant type: single nucleotide variant.
Coding change: c.631C>G on transcript NM_001042750.2 (MANE Select); coding-DNA position 631, C replaced by G.
Protein change: p.Gln211Glu; replaces glutamine 211 with glutamic acid.
Molecular consequence: missense variant.
Genome position (GRCh38, 1-based): chrX:124,045,332, C>G. VCF-style: chrX-124045332-C-G. GRCh37 (hg19) VCF-style: chrX-123179182-C-G.
Other names: c.631C>G, p.Gln211Glu (NM_001042749.2, NM_001042751.2, NM_001282418.2 and 2 more transcripts); short protein forms Q211E.
Identifiers: ClinVar variation 985957 (VCV000985957.4), dbSNP rs2057841126, ClinGen allele CA414274915.